The following is an entry in ClinVar:

ClinVar aggregate classification (germline): Uncertain significance (1 of 4 stars; one submission).

Conditions:
Nemaline myopathy 2 (NEM2). Also called: Nemaline myopathy 2, autosomal recessive. Identifiers: MedGen C1850569, MONDO:0009725, OMIM 256030.

Allele frequency attached by ClinVar (database versions not stated): gnomAD exomes below 0.00001.
gnomAD v4.1: 1 of 1,606,964 alleles (0.000062%); highest among the groups gnomAD compares: Non-Finnish European, 0.000085%; no homozygotes.

Submission:

Illumina Laboratory Services, Illumina
Classification: Uncertain significance for Nemaline myopathy 2. Last evaluated: 2020-07-28. Review status: criteria provided, single submitter. Criteria: ICSLVariantClassificationCriteria RUGD 01 April 2020. Collection method: clinical testing. Allele origin: unknown.
Comment: The NEB c.1106A>G (p.Asn389Ser) variant is a missense variant. A literature search was performed for the gene, cDNA change, and amino acid change. No publications were found based on this search. This variant is not found in the Genome Aggregation Database in a region of good sequence coverage, so the variant is presumed to be rare. Missense variants are not the common mechanism of disease but have been reported in the literature. Based on the limited evidence, the p.Asn369Ser variant is classified as a variant of uncertain significance for nemaline myopathy.

NM_001164508.2(NEB):c.1106A>G (p.Asn369Ser)

Gene: NEB (nebulin; minus strand). Cytogenetic location: 2q23.3.
Variant type: single nucleotide variant.
Coding change: c.1106A>G on transcript NM_001164508.2 (MANE Select); coding-DNA position 1106, A replaced by G.
Protein change: p.Asn369Ser; replaces asparagine 369 with serine.
Molecular consequence: missense variant.
Genome position (GRCh38, 1-based): chr2:151,706,927, T>C on the plus strand (A>G on the coding strand, the complement: NEB is on the minus strand). VCF-style: chr2-151706927-T-C. GRCh37 (hg19) VCF-style: chr2-152563441-T-C.
Other names: c.1106A>G, p.Asn369Ser (NM_001164507.2, NM_001271208.2, NM_004543.5); short protein forms N369S.
Identifiers: ClinVar variation 989271 (VCV000989271.4), dbSNP rs2099709000, ClinGen allele CA348826154.